The following is an entry in ClinVar:

ClinVar aggregate classification (germline): Conflicting classifications of pathogenicity. Review status: criteria provided, conflicting classifications (1 of 4 stars). 3 submissions from 3 submitters: Uncertain significance (2); Likely benign (1). Last evaluated 2024-10-17.

Conditions:
PEX12-related disorder. Also called: PEX12-related condition; PEX12-related disorders.
Peroxisome biogenesis disorder 3A (Zellweger). Also called: PEROXISOMAL BIOGENESIS DISORDER 3A (ZELLWEGER); Peroxisome biogenesis disorder 3A. Identifiers: Orphanet 912, MedGen C3553929, MONDO:0013927, OMIM 614859.

Allele frequency attached by ClinVar (database versions not stated): TOPMed 0.00001; ExAC 0.00002; gnomAD exomes 0.00002.

Submissions (3):

PreventionGenetics, part of Exact Sciences
Classification: Uncertain significance for PEX12-related condition. Last evaluated: 2024-10-17. Review status: criteria provided, single submitter. Criteria: ACMG Guidelines, 2015. Collection method: clinical testing. Allele origin: germline.
Comment: The PEX12 c.294C>A variant is predicted to result in the amino acid substitution p.His98Gln. To our knowledge, this variant has not been reported in the literature. This variant is reported in 0.0029% of alleles in individuals of Latino descent in gnomAD. At this time, the clinical significance of this variant is uncertain due to the absence of conclusive functional and genetic evidence.

Blueprint Genetics
Classification: Likely benign. Last evaluated: 2024-10-07. Review status: criteria provided, single submitter. Criteria: ACMG Guidelines, 2015. Collection method: clinical testing. Allele origin: germline.

Labcorp Genetics (formerly Invitae), Labcorp
Classification: Uncertain significance for Peroxisome biogenesis disorder 3A (Zellweger). Last evaluated: 2022-09-08. Review status: criteria provided, single submitter. Criteria: Invitae Variant Classification Sherloc (09022015). Collection method: clinical testing. Allele origin: germline.
Comment: This sequence change replaces histidine, which is basic and polar, with glutamine, which is neutral and polar, at codon 98 of the PEX12 protein (p.His98Gln). This variant is present in population databases (rs767354075, gnomAD 0.003%). This variant has not been reported in the literature in individuals affected with PEX12-related conditions. ClinVar contains an entry for this variant (Variation ID: 969656). Advanced modeling of protein sequence and biophysical properties (such as structural, functional, and spatial information, amino acid conservation, physicochemical variation, residue mobility, and thermodynamic stability) performed at Invitae indicates that this missense variant is not expected to disrupt PEX12 protein function. In summary, the available evidence is currently insufficient to determine the role of this variant in disease. Therefore, it has been classified as a Variant of Uncertain Significance.

NM_000286.3(PEX12):c.294C>A (p.His98Gln)

Gene: PEX12 (peroxisomal biogenesis factor 12; minus strand). Cytogenetic location: 17q12.
Variant type: single nucleotide variant.
Coding change: c.294C>A on transcript NM_000286.3 (MANE Select); coding-DNA position 294, C replaced by A.
Protein change: p.His98Gln; replaces histidine 98 with glutamine.
Molecular consequence: missense variant.
Genome position (GRCh38, 1-based): chr17:35,577,424, G>T on the plus strand (C>A on the coding strand, the complement: PEX12 is on the minus strand). VCF-style: chr17-35577424-G-T. GRCh37 (hg19) VCF-style: chr17-33904443-G-T.
Other names: short protein forms H98Q.
Identifiers: ClinVar variation 969656 (VCV000969656.5), dbSNP rs767354075, ClinGen allele CA8504927.